The following is an entry in ClinVar:

NM_001029883.3(PCARE):c.2906_2915dup (p.Ser973fs)

Gene: PCARE (photoreceptor cilium actin regulator; minus strand). Cytogenetic location: 2p23.2.
Variant type: Duplication.
Coding change: c.2906_2915dup on transcript NM_001029883.3 (MANE Select); coding-DNA positions 2906 to 2915, 10 bases duplicated (AAAACAGGAC; older notation c.2906_2915dupAAAACAGGAC).
Protein change: p.Ser973fs; shifts the reading frame from serine 973.
Molecular consequence: frameshift variant.
Genome position (GRCh38, 1-based): chr2:29,071,347-29,071,356, GTCCTGTTTT duplicated on the plus strand (AAAACAGGAC on the coding strand, the reverse complement: PCARE is on the minus strand); duplicating any 10 consecutive bases within chr2:29,071,347-29,071,360 gives the same sequence; the c. name uses the placement nearest the transcript's 3' end. VCF-style (leftmost placement, unchanged base first): chr2-29071346-G-GGTCCTGTTTT. GRCh37 (hg19) VCF-style: chr2-29294212-G-GGTCCTGTTTT.
Other names: c.2906_2915dup10 (NM_001029883.2); short protein forms S973fs.
Identifiers: ClinVar variation 1451549 (VCV001451549.8), dbSNP rs755375197, ClinGen allele CA44640407.

ClinVar aggregate classification (germline): Pathogenic/Likely pathogenic. Review status: criteria provided, multiple submitters, no conflicts (2 of 4 stars). 3 submissions from 3 submitters: Pathogenic (2); Likely pathogenic (1). Last evaluated 2025-12-02.

Conditions:
PCARE-related disorder. Also called: PCARE-related condition.

Submissions (3):

PreventionGenetics, part of Exact Sciences
Classification: Pathogenic for PCARE-related condition. Last evaluated: 2025-12-02. Review status: criteria provided, single submitter. Criteria: ACMG Guidelines, 2015. Collection method: clinical testing. Allele origin: germline.
Comment: The PCARE c.2906_2915dup10 variant is predicted to result in a frameshift and premature protein termination (p.Ser973Lysfs*137). This variant has been reported in an individual with retinal disease (Table S1, Lin et al. 2024. PubMed ID: 38219857). This variant is absent in a large population database (gnomAD), indicating this variant is rare. Frameshift variants in PCARE are an established mechanism of disease. This variant is interpreted as pathogenic.

Labcorp Genetics (formerly Invitae), Labcorp
Classification: Pathogenic. Last evaluated: 2025-08-12. Review status: criteria provided, single submitter. Criteria: Invitae Variant Classification Sherloc (09022015). Collection method: clinical testing. Allele origin: germline.
Comment: This sequence change creates a premature translational stop signal (p.Ser973Lysfs*137) in the PCARE gene. It is expected to result in an absent or disrupted protein product. Loss-of-function variants in PCARE are known to be pathogenic (PMID: 20398886, 24339724, 26496393). This variant is not present in population databases (gnomAD no frequency). This variant has not been reported in the literature in individuals affected with PCARE-related conditions. ClinVar contains an entry for this variant (Variation ID: 1451549). For these reasons, this variant has been classified as Pathogenic.

Blueprint Genetics
Classification: Likely pathogenic for PCARE-related disorders. Last evaluated: 2020-04-21. Review status: criteria provided, single submitter. Criteria: ACMG Guidelines, 2015. Collection method: clinical testing. Allele origin: germline. Affected: yes. Observed: 5 variant alleles.

Literature cited by the submitters: PubMed 20398886 (cited by Labcorp Genetics (formerly Invitae), Labcorp); PubMed 24339724 (cited by Labcorp Genetics (formerly Invitae), Labcorp); PubMed 26496393 (cited by Labcorp Genetics (formerly Invitae), Labcorp).